The following is an entry in ClinVar:

NM_014141.6(CNTNAP2):c.2698C>A (p.Arg900=)

Gene: CNTNAP2 (contactin associated protein 2; plus strand). Cytogenetic location: 7q35.
Variant type: single nucleotide variant.
Coding change: c.2698C>A on transcript NM_014141.6 (MANE Select); coding-DNA position 2698, C replaced by A.
Protein change: p.Arg900=; no amino-acid change (arginine 900 retained).
Molecular consequence: synonymous variant.
Genome position (GRCh38, 1-based): chr7:148,147,634, C>A. VCF-style: chr7-148147634-C-A. GRCh37 (hg19) VCF-style: chr7-147844726-C-A.
Identifiers: ClinVar variation 95564 (VCV000095564.34), dbSNP rs375318010, ClinGen allele CA223103.
Genomic context (GRCh38, chr7:148,147,634, plus strand): 5'-GACCAGTGGCACCGGGTCACTGCAGAGAGGAATGTCAAGCAGGCCAGCCTACAGGTGGAC[C>A]GGCTACCGCAGCAGATCCGCAAGGCCCCAACAGAAGGCCACACCCGCCTGGAGCTCTACA-3'
Protein context (NP_054860.1, residues 890-910): NVKQASLQVD[Arg900=]LPQQIRKAPT

ClinVar aggregate classification (germline): Conflicting classifications of pathogenicity. Review status: criteria provided, conflicting classifications (1 of 4 stars). 3 submissions from 3 submitters: Uncertain significance (2); Likely benign (1). Last evaluated 2025-11-17.

Conditions:
Cortical dysplasia-focal epilepsy syndrome (PTHSL1). Also called: Pitt-Hopkins-like syndrome 1. Identifiers: Orphanet 163681, Orphanet 221150, MedGen C2750246, MONDO:0012400, OMIM 610042.

gnomAD v4.1: 20 of 1,614,040 alleles (0.0012%); highest among the groups gnomAD compares: Middle Eastern, 0.017%; no homozygotes.

Submissions (3):

Labcorp Genetics (formerly Invitae), Labcorp
Classification: Likely benign for Cortical dysplasia-focal epilepsy syndrome. Last evaluated: 2025-11-17. Review status: criteria provided, single submitter. Criteria: Invitae Variant Classification Sherloc (09022015). Collection method: clinical testing. Allele origin: germline.

CeGaT Center for Human Genetics Tuebingen
Classification: Uncertain significance. Last evaluated: 2023-11-01. Review status: criteria provided, single submitter. Criteria: CeGaT Center For Human Genetics Tuebingen Variant Classification Criteria Version 2. Collection method: clinical testing. Allele origin: germline. Affected: yes. Observed: 1 variant allele.
Comment: CNTNAP2: PM2, BP4

Eurofins Ntd Llc (ga)
Classification: Uncertain significance. Last evaluated: 2013-04-30. Review status: criteria provided, single submitter. Criteria: EGL Classification Definitions 2015. Collection method: clinical testing. Allele origin: germline. Observed: 1 variant allele, 1 heterozygote.